The following is an entry in ClinVar:

NM_000891.3(KCNJ2):c.673G>A (p.Ala225Thr)

Gene: KCNJ2 (potassium inwardly rectifying channel subfamily J member 2; plus strand). Cytogenetic location: 17q24.3.
Variant type: single nucleotide variant.
Coding change: c.673G>A on transcript NM_000891.3 (MANE Select); coding-DNA position 673, G replaced by A.
Protein change: p.Ala225Thr; replaces alanine 225 with threonine.
Molecular consequence: missense variant.
Genome position (GRCh38, 1-based): chr17:70,175,712, G>A. VCF-style: chr17-70175712-G-A. GRCh37 (hg19) VCF-style: chr17-68171853-G-A.
Other names: short protein forms A225T.
Identifiers: ClinVar variation 3755182 (VCV003755182.2).

ClinVar aggregate classification (germline): Uncertain significance (1 of 4 stars; one submission).

Conditions:
Andersen Tawil syndrome (LQT7). Also called: ANDERSEN CARDIODYSRHYTHMIC PERIODIC PARALYSIS; LONG QT SYNDROME 7; PERIODIC PARALYSIS, POTASSIUM-SENSITIVE CARDIODYSRHYTHMIC TYPE; Andersen Syndrome; Potassium-sensitive periodic paralysis, ventricular ectopy, and dysmorphic features. Identifiers: Orphanet 37553, MedGen C1563715, MONDO:0008222, OMIM 170390.
Short QT syndrome type 3. Identifiers: Orphanet 51083, MedGen C1865018, MONDO:0012314, OMIM 609622.

Submission:

Labcorp Genetics (formerly Invitae), Labcorp
Classification: Uncertain significance for Short QT syndrome type 3; Andersen Tawil syndrome. Last evaluated: 2024-03-08. Review status: criteria provided, single submitter. Criteria: Invitae Variant Classification Sherloc (09022015). Collection method: clinical testing. Allele origin: germline.
Comment: This sequence change replaces alanine, which is neutral and non-polar, with threonine, which is neutral and polar, at codon 225 of the KCNJ2 protein (p.Ala225Thr). This variant is not present in population databases (gnomAD no frequency). This variant has not been reported in the literature in individuals affected with KCNJ2-related conditions. Advanced modeling of protein sequence and biophysical properties (such as structural, functional, and spatial information, amino acid conservation, physicochemical variation, residue mobility, and thermodynamic stability) performed at Invitae indicates that this missense variant is not expected to disrupt KCNJ2 protein function with a negative predictive value of 80%. In summary, the available evidence is currently insufficient to determine the role of this variant in disease. Therefore, it has been classified as a Variant of Uncertain Significance.